The following is an entry in ClinVar:

ClinVar aggregate classification (germline): Uncertain significance (1 of 4 stars; one submission).

Allele frequency attached by ClinVar (database versions not stated): ExAC 0.00001; gnomAD 0.00001; gnomAD exomes 0.00001; TOPMed 0.00001.
gnomAD v4.1: 9 of 1,614,102 alleles (0.00056%); highest among the groups gnomAD compares: Admixed American, 0.013%; no homozygotes.

Submission:

Labcorp Genetics (formerly Invitae), Labcorp
Classification: Uncertain significance. Last evaluated: 2022-11-22. Review status: criteria provided, single submitter. Criteria: Invitae Variant Classification Sherloc (09022015). Collection method: clinical testing. Allele origin: germline.
Comment: In summary, the available evidence is currently insufficient to determine the role of this variant in disease. Therefore, it has been classified as a Variant of Uncertain Significance. Algorithms developed to predict the effect of missense changes on protein structure and function are either unavailable or do not agree on the potential impact of this missense change (SIFT: "Deleterious"; PolyPhen-2: "Benign"; Align-GVGD: "Class C0"). This variant has not been reported in the literature in individuals affected with CCDC88A-related conditions. This variant is present in population databases (rs769171827, gnomAD 0.01%). This sequence change replaces histidine, which is basic and polar, with arginine, which is basic and polar, at codon 1631 of the CCDC88A protein (p.His1631Arg).

NM_001365480.1(CCDC88A):c.4895A>G (p.His1632Arg)

Gene: CCDC88A (coiled-coil domain containing 88A; minus strand). Cytogenetic location: 2p16.1.
Variant type: single nucleotide variant.
Coding change: c.4895A>G on transcript NM_001365480.1 (MANE Select); coding-DNA position 4895, A replaced by G.
Protein change: p.His1632Arg; replaces histidine 1632 with arginine.
Molecular consequence: missense variant.
Genome position (GRCh38, 1-based): chr2:55,296,454, T>C on the plus strand (A>G on the coding strand, the complement: CCDC88A is on the minus strand). VCF-style: chr2-55296454-T-C. GRCh37 (hg19) VCF-style: chr2-55523590-T-C.
Other names: c.4892A>G, p.His1631Arg (NM_001135597.2, NM_001254943.2); c.4811A>G, p.His1604Arg (NM_018084.5); short protein forms H1604R, H1632R, H1631R.
Identifiers: ClinVar variation 2190404 (VCV002190404.2), dbSNP rs769171827, ClinGen allele CA1665439.